The following is an entry in ClinVar:

ClinVar aggregate classification (germline): Pathogenic (1 of 4 stars; one submission).

Submission:

Labcorp Genetics (formerly Invitae), Labcorp
Classification: Pathogenic. Last evaluated: 2021-06-06. Review status: criteria provided, single submitter. Criteria: Invitae Variant Classification Sherloc (09022015). Collection method: clinical testing. Allele origin: germline.
Comment: This sequence change creates a premature translational stop signal (p.Glu80*) in the BCS1L gene. It is expected to result in an absent or disrupted protein product. Loss-of-function variants in BCS1L are known to be pathogenic (PMID: 12215968, 17314340, 19162478, 19508421, 22277166, 25895478). This variant is not present in population databases (ExAC no frequency). This variant has not been reported in the literature in individuals with BCS1L-related conditions. For these reasons, this variant has been classified as Pathogenic.

Literature cited by the submitters: PubMed 12215968; PubMed 17314340; PubMed 19162478; PubMed 19508421; PubMed 22277166; PubMed 25895478.

NM_001079866.2(BCS1L):c.238G>T (p.Glu80Ter)

Gene: BCS1L (BCS1 ubiquinol-cytochrome c reductase complex chaperone; plus strand). Cytogenetic location: 2q35.
Variant type: single nucleotide variant.
Coding change: c.238G>T on transcript NM_001079866.2 (MANE Select); coding-DNA position 238, G replaced by T.
Protein change: p.Glu80Ter; replaces glutamic acid 80 with a stop codon.
Molecular consequence: nonsense. On other transcripts: 5 prime UTR variant (5), non-coding transcript variant (1), intron variant (3).
Genome position (GRCh38, 1-based): chr2:218,661,225, G>T. VCF-style: chr2-218661225-G-T. GRCh37 (hg19) VCF-style: chr2-219525948-G-T.
Other names: c.238G>T, p.Glu80Ter (NM_001257342.2, NM_001257343.2, NM_001257344.2 and 10 more transcripts); c.-239G>T (NM_001371453.1, NM_001371454.1, NM_001371455.1 and 2 more transcripts); c.-40-181G>T (NM_001371451.1, NM_001318836.2); c.-41-534G>T (NM_001371452.1); short protein forms E80*.
Identifiers: ClinVar variation 1455266 (VCV001455266.6), dbSNP rs1367846935, ClinGen allele CA350625918.
Genomic context (GRCh38, chr2:218,661,225, plus strand): 5'-TATGCCTGGTTGCTTAGCTGGCTCACCCGCCACAGTACCCGTACTCAGCACCTCAGTGTC[G>T]AGACTTCGTACCTTCAGCATGAGAGTGGCCGCATTTCCACTAAGTTTGAATTTGTCCCCA-3'